The following is an entry in ClinVar:

ClinVar aggregate classification (germline): Uncertain significance (1 of 4 stars; one submission).

Conditions:
Epidermolysis bullosa simplex 5B, with muscular dystrophy (EBS5B). Also called: Epidermolysis bullosa simplex with muscular dystrophy; EPIDERMOLYSIS BULLOSA SIMPLEX AND LIMB-GIRDLE MUSCULAR DYSTROPHY. Identifiers: Orphanet 257, MedGen C2931072, MONDO:0009181, OMIM 226670.
Epidermolysis bullosa simplex, Ogna type (EBS5A). Also called: Pidermolysis bullosa simplex 5A, Ogna type; EPIDERMOLYSIS BULLOSA SIMPLEX 5A, OGNA TYPE. Identifiers: Orphanet 79401, MedGen C0432317, MONDO:0007555, OMIM 131950.
Epidermolysis bullosa simplex 5C, with pyloric atresia (EBS5C). Also called: PLEC-Related Epidermolysis Bullosa with Pyloric Atresia; Epidermolysis bullosa simplex with pyloric atresia; PLEC1-Related Epidermolysis Bullosa with Pyloric Atresia. Identifiers: Orphanet 158684, MedGen C2677349, MONDO:0012807, OMIM 612138.
Autosomal recessive limb-girdle muscular dystrophy type 2Q (LGMDR17). Also called: MUSCULAR DYSTROPHY, LIMB-GIRDLE, AUTOSOMAL RECESSIVE 17. Identifiers: Orphanet 254361, MedGen C3150989, MONDO:0013390, OMIM 613723.
Epidermolysis bullosa simplex with nail dystrophy (EBS5D). Identifiers: MedGen C4225309, MONDO:0014661, OMIM 616487.

Allele frequency attached by ClinVar (database versions not stated): gnomAD exomes below 0.00001; TOPMed 0.00001; ESP Exome Variant Server 0.00008.
gnomAD v4.1: 5 of 1,611,920 alleles (0.00031%); highest among the groups gnomAD compares: African/African-American, 0.0013%; no homozygotes.

Submission:

Labcorp Genetics (formerly Invitae), Labcorp
Classification: Uncertain significance for Autosomal recessive limb-girdle muscular dystrophy type 2Q; Epidermolysis bullosa simplex, Ogna type; Epidermolysis bullosa simplex with nail dystrophy; Epidermolysis bullosa simplex 5C, with pyloric atresia; Epidermolysis bullosa simplex 5B, with muscular dystrophy. Last evaluated: 2020-02-04. Review status: criteria provided, single submitter. Criteria: Invitae Variant Classification Sherloc (09022015). Collection method: clinical testing. Allele origin: germline.
Comment: In summary, the available evidence is currently insufficient to determine the role of this variant in disease. Therefore, it has been classified as a Variant of Uncertain Significance. Nucleotide substitutions within the consensus splice site are a relatively common cause of aberrant splicing (PMID: 17576681, 9536098). Algorithms developed to predict the effect of sequence changes on RNA splicing suggest that this variant may disrupt the consensus splice site, but this prediction has not been confirmed by published transcriptional studies. This variant has not been reported in the literature in individuals with PLEC-related conditions. This variant is not present in population databases (ExAC no frequency). This sequence change falls in intron 12 of the PLEC gene. It does not directly change the encoded amino acid sequence of the PLEC protein, but it affects a nucleotide within the consensus splice site of the intron.

Literature cited by the submitters: PubMed 17576681; PubMed 9536098.

NM_201384.3(PLEC):c.1169+5G>A

Gene: PLEC (plectin; minus strand). Cytogenetic location: 8q24.3.
Variant type: single nucleotide variant.
Coding change: c.1169+5G>A on transcript NM_201384.3 (MANE Select); 5 bases into the intron after coding-DNA position 1169, G replaced by A.
Molecular consequence: intron variant.
Genome position (GRCh38, 1-based): chr8:143,934,313, C>T on the plus strand (G>A on the coding strand, the complement: PLEC is on the minus strand). VCF-style: chr8-143934313-C-T. GRCh37 (hg19) VCF-style: chr8-145008481-C-T.
Other names: c.1250+5G>A (NM_000445.5); c.1127+5G>A (NM_201378.4); c.1103+5G>A (NM_201379.3); c.1580+5G>A (NM_201380.4); c.1073+5G>A (NM_201381.3); c.1169+5G>A (NM_201382.4); c.1181+5G>A (NM_201383.3).
Identifiers: ClinVar variation 1001256 (VCV001001256.5), dbSNP rs368341687, ClinGen allele CA187623099.